The following is an entry in ClinVar:

NM_001298.3(CNGA3):c.502T>C (p.Tyr168His)

Gene: CNGA3 (cyclic nucleotide gated channel subunit alpha 3; plus strand). Cytogenetic location: 2q11.2.
Variant type: single nucleotide variant.
Coding change: c.502T>C on transcript NM_001298.3 (MANE Select); coding-DNA position 502, T replaced by C.
Protein change: p.Tyr168His; replaces tyrosine 168 with histidine.
Molecular consequence: missense variant.
Genome position (GRCh38, 1-based): chr2:98,389,710, T>C. VCF-style: chr2-98389710-T-C. GRCh37 (hg19) VCF-style: chr2-99006173-T-C.
Other names: c.448T>C, p.Tyr150His (NM_001079878.2); c.502T>C (NM_001298.2); short protein forms Y150H, Y168H.
Identifiers: ClinVar variation 1484829 (VCV001484829.7), dbSNP rs2104229528, ClinGen allele CA347831520.

ClinVar aggregate classification (germline): Uncertain significance. Review status: criteria provided, multiple submitters, no conflicts (2 of 4 stars). 2 submissions from 2 submitters: Uncertain significance (2). Last evaluated 2025-04-16.

Conditions:
Inborn genetic diseases. Identifiers: MedGen C0950123, MeSH D030342.

Submissions (2):

Ambry Genetics
Classification: Uncertain significance for Inborn genetic diseases. Last evaluated: 2025-04-16. Review status: criteria provided, single submitter. Criteria: Ambry Variant Classification Scheme 2023. Collection method: clinical testing. Allele origin: germline.

Labcorp Genetics (formerly Invitae), Labcorp
Classification: Uncertain significance. Last evaluated: 2024-01-15. Review status: criteria provided, single submitter. Criteria: Invitae Variant Classification Sherloc (09022015). Collection method: clinical testing. Allele origin: germline.
Comment: This sequence change replaces tyrosine, which is neutral and polar, with histidine, which is basic and polar, at codon 168 of the CNGA3 protein (p.Tyr168His). This variant is not present in population databases (gnomAD no frequency). This variant has not been reported in the literature in individuals affected with CNGA3-related conditions. ClinVar contains an entry for this variant (Variation ID: 1484829). Advanced modeling of protein sequence and biophysical properties (such as structural, functional, and spatial information, amino acid conservation, physicochemical variation, residue mobility, and thermodynamic stability) performed at Invitae indicates that this missense variant is expected to disrupt CNGA3 protein function with a positive predictive value of 95%. In summary, the available evidence is currently insufficient to determine the role of this variant in disease. Therefore, it has been classified as a Variant of Uncertain Significance.